The following is an entry in ClinVar:

ClinVar aggregate classification (germline): Pathogenic/Likely pathogenic. Review status: criteria provided, multiple submitters, no conflicts (2 of 4 stars). 18 submissions from 18 submitters: Pathogenic (10); Likely pathogenic (5). 3 of the submissions do not count toward it. Last evaluated 2026-01-24.

Conditions:
Wilson disease (WND). Also called: Wilson's disease. Identifiers: Orphanet 905, MedGen C0019202, MONDO:0010200, OMIM 277900. Disease mechanism: loss of function.
Abnormality of metabolism/homeostasis. Identifiers: MedGen C4021768, HP:0001939.

Allele frequency attached by ClinVar (database versions not stated): gnomAD exomes 0.00003; ExAC 0.00009; gnomAD below 0.00001 and 0.00001.
gnomAD v4.1: 40 of 1,609,040 alleles (0.0025%); highest among the groups gnomAD compares: South Asian, 0.025%; no homozygotes.

Submissions (18):

Natera, Inc.
Classification: Pathogenic for Wilson disease. Last evaluated: 2026-01-24. Review status: criteria provided, single submitter. Criteria: Natera Variant Classification Schema (03/2026). Collection method: clinical testing. Allele origin: germline.
Comment: The c.3008C>T variant in ATP7B is a missense variant predicted to cause substitution of alanine to valine at amino acid 1003. This variant is rare in the general population with a frequency below the threshold expected for the associated phenotype(s). This variant has been observed in one or more individuals affected with the associated recessive disease, as either homozygous or compound heterozygous with a second variant (PMID: 35626323, 35220961, 23518715, 17264425). Given the available evidence, this variant is classified as Pathogenic.

Centre for Inherited Metabolic Diseases, Karolinska University Hospital
Classification: Pathogenic for Wilson disease. Last evaluated: 2025-08-11. Review status: criteria provided, single submitter. Criteria: ACMG Guidelines, 2015. Collection method: clinical testing. Allele origin: inherited. Inheritance: Autosomal recessive inheritance. Affected: yes. Observed: 1 homozygote.
Comment: Used criteria: PS1, PS4, PM2, PP3.

Institute of Medical Genetics and Applied Genomics, University Hospital Tübingen
Classification: Pathogenic for Wilson disease. Last evaluated: 2025-02-06. Review status: criteria provided, single submitter. Criteria: ACMG Guidelines, 2015. Collection method: clinical testing. Allele origin: germline. Inheritance: Autosomal recessive inheritance. Affected: yes.

Labcorp Genetics (formerly Invitae), Labcorp
Classification: Pathogenic for Wilson disease. Last evaluated: 2025-02-05. Review status: criteria provided, single submitter. Criteria: Invitae Variant Classification Sherloc (09022015). Collection method: clinical testing. Allele origin: germline.
Comment: This sequence change replaces alanine, which is neutral and non-polar, with valine, which is neutral and non-polar, at codon 1003 of the ATP7B protein (p.Ala1003Val). This variant is present in population databases (rs775055397, gnomAD 0.03%). This missense change has been observed in individual(s) with Wilson disease (PMID: 10544227, 17264425, 31059521). ClinVar contains an entry for this variant (Variation ID: 188781). Invitae Evidence Modeling of protein sequence and biophysical properties (such as structural, functional, and spatial information, amino acid conservation, physicochemical variation, residue mobility, and thermodynamic stability) indicates that this missense variant is expected to disrupt ATP7B protein function with a positive predictive value of 80%. This variant disrupts the p.Ala1003 amino acid residue in ATP7B. Other variant(s) that disrupt this residue have been determined to be pathogenic (PMID: 12885331, 21610751, 26799313; internal data). This suggests that this residue is clinically significant, and that variants that disrupt this residue are likely to be disease-causing. For these reasons, this variant has been classified as Pathogenic.

Lildballe Lab, Aarhus University Hospital
Classification: Pathogenic for Wilson disease. Last evaluated: 2024-08-29. Review status: criteria provided, single submitter. Criteria: ACMG Guidelines, 2015. Collection method: clinical testing. Allele origin: germline. Affected: yes.
Comment: PP5, PM5, PP3, PM1, PM2

Genomic Medicine Center of Excellence, King Faisal Specialist Hospital and Research Centre
Classification: Likely pathogenic for Wilson disease. Last evaluated: 2024-03-25. Review status: criteria provided, single submitter. Criteria: ACMG Guidelines, 2015. Collection method: clinical testing. Allele origin: germline.

Baylor Genetics
Classification: Likely pathogenic for Wilson disease. Last evaluated: 2024-03-21. Review status: criteria provided, single submitter. Criteria: ACMG Guidelines, 2015. Collection method: clinical testing. Allele origin: unknown.

Fulgent Genetics
Classification: Pathogenic for Wilson disease. Last evaluated: 2024-02-22. Review status: criteria provided, single submitter. Criteria: ACMG Guidelines, 2015. Collection method: clinical testing. Allele origin: germline.

Institute of Human Genetics, University of Leipzig Medical Center
Classification: Pathogenic for Wilson disease. Last evaluated: 2023-08-25. Review status: criteria provided, single submitter. Criteria: ACMG Guidelines, 2015. Collection method: clinical testing. Allele origin: maternal. Inheritance: Autosomal recessive inheritance. Affected: yes.
Comment: Criteria applied: PM3_VSTR,PS4_MOD,PP3; Identified as compund heterozygous with NM_000053.4:c.2906G>A

Neuberg Centre For Genomic Medicine, NCGM
Classification: Pathogenic for Wilson disease. Last evaluated: 2023-07-22. Review status: criteria provided, single submitter. Criteria: ACMG Guidelines, 2015. Collection method: clinical testing. Allele origin: germline. Inheritance: Autosomal recessive inheritance. Affected: yes.
Comment: The observed missense c.3008C>Tp.Ala1003Val variant in ATP7B gene has been previously reported in homozygous and compound heterozygous states in multiple individuals affected with Wilson disease Singh N, et al., 2019; Santhosh S, et al., 2006 . The variant p.Ala1003Val is present with allele frequency of 0.003% in gnomAD exomes. This variant has been submitted to ClinVar as Likely Pathogenic / Pathogenic multiple submissions. Multiple lines of computational evidences SIFT- Damaging, Polyphen - Probably damaging, MutationTaster - Disease causing predict a damaging effect on protein structure and function for this variant. The reference amino acid change at this position on ATP7B gene is predicted as conserved by GERP++ and PhyloP across 100 vertebrates. The amino acid Ala at position 1003 is changed to a Val changing protein sequence and it might alter its composition and physico-chemical properties. For these reasons, this variant has been classified as Pathogenic.

Genome-Nilou Lab
Classification: Pathogenic for Wilson disease. Last evaluated: 2021-08-10. Review status: criteria provided, single submitter. Criteria: ACMG Guidelines, 2015. Collection method: clinical testing. Allele origin: germline. Affected: no.

Kariminejad - Najmabadi Pathology & Genetics Center
Classification: Likely pathogenic for Abnormality of metabolism/homeostasis. Last evaluated: 2021-07-10. Review status: criteria provided, single submitter. Criteria: ACMG Guidelines, 2015. Collection method: clinical testing. Allele origin: germline. Affected: yes.

Mayo Clinic Laboratories, Mayo Clinic
Classification: Likely pathogenic. Last evaluated: 2020-09-04. Review status: criteria provided, single submitter. Criteria: ACMG Guidelines, 2015. Collection method: clinical testing. Allele origin: germline. Observed: 1 variant allele.
Comment: PS4_moderate, PM2, PM5, PP4

Laboratory for Molecular Medicine, Mass General Brigham Personalized Medicine
Classification: Likely pathogenic for Wilson disease. Last evaluated: 2020-06-11. Review status: criteria provided, single submitter. Criteria: ACMG Guidelines, 2015. Collection method: clinical testing. Allele origin: germline.
Comment: The p.Ala1003Val variant in ATP7B has been reported in several individuals with Wilson disease, including at least 2 homozygotes and 1 compound heterozygote; however, in the majority of studies, allelic data (cis/trans, homozygous or compound heterozygous state) was not reported (Mukherjee 2014, Simsek 2013, Guggilla 2015, Santhosh 2006, Loudianos 1999, Kumari 2018, Gomes 2016, Gupta 2007, Coffey 2013). This variant has also been identified in 0.02% (8/29742) of South Asian chromosomes by gnomAD. A pathogenic variant affecting the same amino acid position, p.Ala1003Thr, has been previously reported in many individuals with Wilson disease. Computational prediction tools and conservation analysis suggest that this variant may impact the protein. In summary, although additional studies are required to fully establish its clinical significance, this variant meets criteria to be classified as likely pathogenic for autosomal Wilson disease. ACMG/AMP criteria applied: PM2, PM5, PP3, PP4, PM3_Supporting.

Women's Health and Genetics/Laboratory Corporation of America, LabCorp
Classification: Pathogenic for Wilson disease. Last evaluated: 2019-12-09. Review status: criteria provided, single submitter. Criteria: LabCorp Variant Classification Summary - May 2015. Collection method: clinical testing. Allele origin: germline.
Comment: Variant summary: ATP7B c.3008C>T (p.Ala1003Val) results in a non-conservative amino acid change in the encoded protein sequence. Five of five in-silico tools predict a damaging effect of the variant on protein function. The variant allele was found at a frequency of 3.3e-05 in 240390 control chromosomes (gnomAD). c.3008C>T has been reported in the literature in multiple individuals affected with Wilson Disease (e.g. Loudianos_1999, Coffey_2013, Guggilla_2015). These data indicate that the variant is very likely to be associated with disease. No clinical diagnostic laboratories have submitted clinical-significance assessments for this variant to ClinVar after 2014. Based on the evidence outlined above, the variant was classified as pathogenic.

Biochemical Molecular Genetic Laboratory, King Abdulaziz Medical City
Classification: Pathogenic for Wilson disease. Last evaluated: 2020-10-11. Review status: no assertion criteria provided. Collection method: clinical testing. Allele origin: germline. Affected: yes. Not counted in ClinVar's aggregate classification.

Counsyl
Classification: Likely pathogenic for Wilson's disease. Last evaluated: 2014-05-14. Review status: no assertion criteria provided. Collection method: literature only. Allele origin: unknown. Inheritance: Autosomal recessive inheritance. Not counted in ClinVar's aggregate classification.

Hong-Tao Li Lab, Institute of Brain Science and Brain-inspired Research, Shandong First Medical University & Shandong Academy of Medical Sciences China
Classification: Pathogenic for Wilson disease. Review status: no assertion criteria provided. Collection method: research. Allele origin: germline. Inheritance: Autosomal recessive inheritance. Affected: yes. Observed: 1 variant allele, 1 homozygote. Not counted in ClinVar's aggregate classification.
Comment: Observed in affected individuals from a Pakistani neurodevelopmental-disorder research cohort of 263 individuals. Classification assigned using the ACMG/AMP framework. Population-frequency evidence: gnomAD AF 3.328e-05.

Literature cited by the submitters: PubMed 35626323 (cited by Natera, Inc.); PubMed 35220961 (cited by Natera, Inc.); PubMed 23518715 (cited by 4 submitters); PubMed 17264425 (cited by 5 submitters); PubMed 10544227 (cited by 4 submitters); PubMed 31059521 (cited by Labcorp Genetics (formerly Invitae), Labcorp); PubMed 12885331 (cited by Labcorp Genetics (formerly Invitae), Labcorp); PubMed 21610751 (cited by Labcorp Genetics (formerly Invitae), Labcorp); PubMed 26799313 (cited by Labcorp Genetics (formerly Invitae), Labcorp); PubMed 25982861 (cited by 3 submitters); PubMed 22692182 (cited by Mayo Clinic Laboratories, Mayo Clinic); PubMed 24094725 (cited by 3 submitters); PubMed 23333878 (cited by 3 submitters); PubMed 22484412 (cited by Mayo Clinic Laboratories, Mayo Clinic and Counsyl); PubMed 30120852 (cited by Laboratory for Molecular Medicine, Mass General Brigham Personalized Medicine); PubMed 26207595 (cited by Laboratory for Molecular Medicine, Mass General Brigham Personalized Medicine); PubMed 17823867 (cited by Laboratory for Molecular Medicine, Mass General Brigham Personalized Medicine); PubMed 10502776 (cited by Counsyl).

NM_000053.4(ATP7B):c.3008C>T (p.Ala1003Val)

Gene: ATP7B (ATPase copper transporting beta; minus strand). Cytogenetic location: 13q14.3.
Variant type: single nucleotide variant.
Coding change: c.3008C>T on transcript NM_000053.4 (MANE Select); coding-DNA position 3008, C replaced by T.
Protein change: p.Ala1003Val; replaces alanine 1003 with valine.
Molecular consequence: missense variant.
Genome position (GRCh38, 1-based): chr13:51,946,336, G>A on the plus strand (C>T on the coding strand, the complement: ATP7B is on the minus strand). VCF-style: chr13-51946336-G-A. GRCh37 (hg19) VCF-style: chr13-52520472-G-A.
Other names: c.2387C>T, p.Ala796Val (NM_001005918.3); c.2675C>T, p.Ala892Val (NM_001243182.2); c.2774C>T, p.Ala925Val (NM_001330578.2); c.2756C>T, p.Ala919Val (NM_001330579.2); short protein forms A1003V, A919V, A796V, A925V, A892V.
Identifiers: ClinVar variation 188781 (VCV000188781.56), dbSNP rs775055397, ClinGen allele CA273949.